The following is an entry in ClinVar:

NM_014714.4(IFT140):c.1568A>T (p.Asn523Ile)

Gene: IFT140 (intraflagellar transport 140; minus strand). Cytogenetic location: 16p13.3.
Variant type: single nucleotide variant.
Coding change: c.1568A>T on transcript NM_014714.4 (MANE Select); coding-DNA position 1568, A replaced by T.
Protein change: p.Asn523Ile; replaces asparagine 523 with isoleucine.
Molecular consequence: missense variant.
Genome position (GRCh38, 1-based): chr16:1,571,491, T>A on the plus strand (A>T on the coding strand, the complement: IFT140 is on the minus strand). VCF-style: chr16-1571491-T-A. GRCh37 (hg19) VCF-style: chr16-1621492-T-A.
Other names: c.1568A>T (NM_014714.3); short protein forms N523I.
Identifiers: ClinVar variation 2172834 (VCV002172834.3), dbSNP rs2507422551, ClinGen allele CA394209373.
Genomic context (GRCh38, chr16:1,571,491, plus strand): 5'-AAGTGAGCCAAGTCTGTCCCTACAACCAGGAAATTCCCACAGATGTCCAAGAAGCAGGGA[T>A]TCCCCTCAGTCTCCGAGAAAAGGAGGAGTTGTTTGACAGTCCCCTGAGGAAAAGGAACAA-3'
Protein context (NP_055529.2, residues 513-533): QLLLFSETEG[Asn523Ile]PCFLDICGNF

ClinVar aggregate classification (germline): Uncertain significance. Review status: criteria provided, multiple submitters, no conflicts (2 of 4 stars). 2 submissions from 2 submitters: Uncertain significance (2). Last evaluated 2026-05-20.

Conditions:
Inborn genetic diseases. Identifiers: MedGen C0950123, MeSH D030342.
Saldino-Mainzer syndrome (SRTD9). Also called: short-rib thoracic dysplasia 9 with or without polydactyly; CONORENAL SYNDROME; Renal dysplasia, retinal pigmentary dystrophy, cerebellar ataxia and skeletal dysplasia; SHORT-RIB THORACIC DYSPLASIA 9 WITHOUT POLYDACTYLY. Identifiers: Orphanet 140969, MedGen C1849437, MONDO:0009964, OMIM 266920.

Allele frequency attached by ClinVar (database versions not stated): gnomAD exomes 0.00003.
gnomAD v4.1: 41 of 1,614,032 alleles (0.0025%); highest among the groups gnomAD compares: Non-Finnish European, 0.0034%; no homozygotes.

Submissions (2):

Ambry Genetics
Classification: Uncertain significance for Inborn genetic diseases. Last evaluated: 2026-05-20. Review status: criteria provided, single submitter. Criteria: Ambry Variant Classification Scheme 2023. Collection method: clinical testing. Allele origin: germline.

Labcorp Genetics (formerly Invitae), Labcorp
Classification: Uncertain significance for Saldino-Mainzer syndrome. Last evaluated: 2025-05-13. Review status: criteria provided, single submitter. Criteria: Invitae Variant Classification Sherloc (09022015). Collection method: clinical testing. Allele origin: germline.
Comment: This sequence change replaces asparagine, which is neutral and polar, with isoleucine, which is neutral and non-polar, at codon 523 of the IFT140 protein (p.Asn523Ile). This variant is not present in population databases (gnomAD no frequency). This variant has not been reported in the literature in individuals affected with IFT140-related conditions. ClinVar contains an entry for this variant (Variation ID: 2172834). Invitae Evidence Modeling of protein sequence and biophysical properties (such as structural, functional, and spatial information, amino acid conservation, physicochemical variation, residue mobility, and thermodynamic stability) indicates that this missense variant is not expected to disrupt IFT140 protein function with a negative predictive value of 80%. In summary, the available evidence is currently insufficient to determine the role of this variant in disease. Therefore, it has been classified as a Variant of Uncertain Significance.